The following is an entry in ClinVar:

NM_020975.6(RET):c.2177T>C (p.Leu726Pro)

Gene: RET (ret proto-oncogene; plus strand). Cytogenetic location: 10q11.21.
Variant type: single nucleotide variant.
Coding change: c.2177T>C on transcript NM_020975.6 (MANE Select); coding-DNA position 2177, T replaced by C.
Protein change: p.Leu726Pro; replaces leucine 726 with proline.
Molecular consequence: missense variant.
Genome position (GRCh38, 1-based): chr10:43,116,624, T>C. VCF-style: chr10-43116624-T-C. GRCh37 (hg19) VCF-style: chr10-43612072-T-C.
Other names: c.2177T>C, p.Leu726Pro (NM_000323.2, NM_001406743.1, NM_001406744.1 and 4 more transcripts); c.1415T>C, p.Leu472Pro (NM_001355216.2); c.2048T>C, p.Leu683Pro (NM_001406761.1, NM_001406762.1, NM_001406764.1); c.2042T>C, p.Leu681Pro (NM_001406763.1, NM_001406765.1); c.1889T>C, p.Leu630Pro (NM_001406766.1, NM_001406767.1, NM_001406770.1); c.1913T>C, p.Leu638Pro (NM_001406768.1); c.1781T>C, p.Leu594Pro (NM_001406769.1, NM_001406772.1); c.1739T>C, p.Leu580Pro (NM_001406771.1, NM_001406773.1); and 10 more; short protein forms L243P, L291P, L331P, L382P, L384P, L387P, L396P, L427P.
Identifiers: ClinVar variation 3227523 (VCV003227523.1), dbSNP rs1838076512, ClinGen allele CA376554351.

ClinVar aggregate classification (germline): Uncertain significance (1 of 4 stars; one submission).

Conditions:
Hereditary cancer-predisposing syndrome. Also called: Neoplastic Syndromes, Hereditary; Tumor predisposition; Hereditary neoplastic syndrome; Hereditary Cancer Syndrome. Identifiers: Orphanet 140162, MedGen C0027672, MeSH D009386, MONDO:0015356.

Allele frequency attached by ClinVar (database versions not stated): TOPMed below 0.00001.

Submission:

Ambry Genetics
Classification: Uncertain significance for Hereditary cancer-predisposing syndrome. Last evaluated: 2023-10-12. Review status: criteria provided, single submitter. Criteria: Ambry Variant Classification Scheme 2023. Collection method: clinical testing. Allele origin: germline.
Comment: The p.L726P variant (also known as c.2177T>C), located in coding exon 12 of the RET gene, results from a T to C substitution at nucleotide position 2177. The leucine at codon 726 is replaced by proline, an amino acid with similar properties. This amino acid position is conserved. In addition, this alteration is predicted to be deleterious by in silico analysis. Since supporting evidence is limited at this time, the clinical significance of this alteration remains unclear.